The following is an entry in ClinVar:

ClinVar aggregate classification (germline): Pathogenic/Likely pathogenic. Review status: criteria provided, multiple submitters, no conflicts (2 of 4 stars). 5 submissions from 5 submitters: Pathogenic (2); Likely pathogenic (3). Last evaluated 2023-10-16.

Conditions:
Hereditary cancer-predisposing syndrome. Also called: Tumor predisposition; Hereditary Cancer Syndrome; Hereditary neoplastic syndrome; Neoplastic Syndromes, Hereditary. Identifiers: Orphanet 140162, MedGen C0027672, MeSH D009386, MONDO:0015356.
Hereditary nonpolyposis colorectal neoplasms. Identifiers: MedGen C0009405, MeSH D003123.
Lynch syndrome 4 (LYNCH4). Also called: Hereditary non-polyposis colorectal cancer, type 4; Colorectal cancer, hereditary nonpolyposis, type 4. Identifiers: Orphanet 144, MedGen C1838333, MONDO:0013699, OMIM 614337. Disease mechanism: loss of function.

Submissions (5):

St. Jude Molecular Pathology, St. Jude Children's Research Hospital
Classification: Pathogenic for Lynch syndrome 4. Last evaluated: 2023-10-16. Review status: criteria provided, single submitter. Criteria: St. Jude Assertion Criteria 2020. Collection method: clinical testing. Allele origin: germline.
Comment: The PMS2 c.903+1G>C intronic change results in a G to C substitution at the +1 position of intron 8 of the PMS2 gene. This variant is predicted to result in loss of the native splice donor site and abnormal gene splicing, resulting in nonsense-mediated decay or abnormal protein product. This variant is absent in gnomAD v2.1.1. Additionally, another variant impacting the same donor site, c.903G>T, has been reported in individuals with Lynch syndrome and CMMRD, and RNA studies for this variant have demonstrated skipping of exon 8 (PMID: 18602922, 26247049, 26318770). In summary, the c.903+1G>C variant meets criteria to be classified as pathogenic.

Myriad Genetics, Inc.
Classification: Likely pathogenic for Lynch syndrome 4. Last evaluated: 2023-09-19. Review status: criteria provided, single submitter. Criteria: Myriad Autosomal Dominant, Autosomal Recessive and X-Linked Classification Criteria (2023). Collection method: clinical testing. Allele origin: unknown.
Comment: This variant is considered likely pathogenic. This variant occurs within a consensus splice junction and is predicted to result in abnormal mRNA splicing of either an out-of-frame exon or an in-frame exon necessary for protein stability and/or normal function.

Labcorp Genetics (formerly Invitae), Labcorp
Classification: Likely pathogenic for Hereditary nonpolyposis colorectal neoplasms. Last evaluated: 2022-03-23. Review status: criteria provided, single submitter. Criteria: Invitae Variant Classification Sherloc (09022015). Collection method: clinical testing. Allele origin: germline.
Comment: In summary, the currently available evidence indicates that the variant is pathogenic, but additional data are needed to prove that conclusively. Therefore, this variant has been classified as Likely Pathogenic. Algorithms developed to predict the effect of sequence changes on RNA splicing suggest that this variant may disrupt the consensus splice site. ClinVar contains an entry for this variant (Variation ID: 525719). This variant has not been reported in the literature in individuals affected with PMS2-related conditions. This variant is not present in population databases (gnomAD no frequency). This sequence change affects a donor splice site in intron 8 of the PMS2 gene. It is expected to disrupt RNA splicing. Variants that disrupt the donor or acceptor splice site typically lead to a loss of protein function (PMID: 16199547), and loss-of-function variants in PMS2 are known to be pathogenic (PMID: 21376568, 24362816).

Ambry Genetics
Classification: Pathogenic for Hereditary cancer-predisposing syndrome. Last evaluated: 2022-01-24. Review status: criteria provided, single submitter. Criteria: Ambry Variant Classification Scheme 2023. Collection method: clinical testing. Allele origin: germline.
Comment: The c.903+1G>C intronic pathogenic mutation results from a G to C substitution one nucleotide after coding exon 8 of the PMS2 gene. This variant is considered to be rare based on population cohorts in the Genome Aggregation Database (gnomAD). In silico splice site analysis predicts that this alteration will weaken the native splice donor site. Alterations that disrupt the canonical splice site are expected to cause aberrant splicing, resulting in an abnormal protein or a transcript that is subject to nonsense-mediated mRNA decay. As such, this alteration is classified as a disease-causing mutation.

Genetics and Molecular Pathology, SA Pathology
Classification: Likely pathogenic for Lynch syndrome 4. Last evaluated: 2019-07-16. Review status: criteria provided, single submitter. Criteria: ACMG Guidelines, 2015. Collection method: clinical testing. Allele origin: germline. Inheritance: Autosomal dominant inheritance. Affected: no.

Literature cited by the submitters: PubMed 16199547 (cited by Labcorp Genetics (formerly Invitae), Labcorp); PubMed 21376568 (cited by Labcorp Genetics (formerly Invitae), Labcorp); PubMed 24362816 (cited by Labcorp Genetics (formerly Invitae), Labcorp).

NM_000535.7(PMS2):c.903+1G>C

Gene: PMS2 (PMS1 homolog 2, mismatch repair system component; minus strand). Cytogenetic location: 7p22.1.
Variant type: single nucleotide variant.
Coding change: c.903+1G>C on transcript NM_000535.7 (MANE Select); the canonical splice donor site of the intron after coding-DNA position 903, G replaced by C.
Molecular consequence: splice donor variant. On other transcripts: intron variant (4).
Genome position (GRCh38, 1-based): chr7:5,995,533, C>G on the plus strand (G>C on the coding strand, the complement: PMS2 is on the minus strand). VCF-style: chr7-5995533-C-G. GRCh37 (hg19) VCF-style: chr7-6035164-C-G.
Other names: c.585+1G>C (NM_001322008.2, NM_001406902.1, NM_001406883.1 and 4 more transcripts); c.594+1G>C (NM_001406881.1, NM_001406879.1, NM_001322015.2 and 6 more transcripts); c.498+1G>C (NM_001406895.1, NM_001322010.2, NM_001322004.2 and 19 more transcripts); c.133-3476G>C (NM_001406911.1); c.390+1G>C (NM_001406904.1, NM_001406905.1); c.330+1G>C (NM_001322013.2, NM_001406909.1); c.-31+1G>C (NM_001322012.2, NM_001322011.2); c.567+1G>C (NM_001406885.1); and 8 more.
Identifiers: ClinVar variation 525719 (VCV000525719.15), dbSNP rs1554300689, ClinGen allele CA366743395.